The following is an entry in ClinVar:

ClinVar aggregate classification (germline): Pathogenic. Review status: criteria provided, multiple submitters, no conflicts (2 of 4 stars). 2 submissions from 2 submitters: Pathogenic (2). Last evaluated 2024-02-09.

Conditions:
Cobalamin C disease. Also called: methylmalonic aciduria and homocystinuria type cblC; Cobalamin-C methylmalonic acidemia and homocystinuria; Methylmalonic acidemia and homocystinuria cblC type; Methylmalonic aciduria and homocystinuria, Vitamin B12-responsive; Vitamin B12 metabolic defect with combined deficiency of methylmalonyl-CoA mutase and homocysteine:methyltetrahydrofolate methyltransferase; Methylmalonic aciduria with homocystinuria cblC type. Identifiers: Orphanet 26, Orphanet 79282, MedGen C1848561, MONDO:0010184, OMIM 277400.

Submissions (2):

Labcorp Genetics (formerly Invitae), Labcorp
Classification: Pathogenic for Cobalamin C disease. Last evaluated: 2024-02-09. Review status: criteria provided, single submitter. Criteria: Invitae Variant Classification Sherloc (09022015). Collection method: clinical testing. Allele origin: germline.
Comment: This sequence change results in a frameshift in the MMACHC gene (p.Gln212Argfs*79). While this is not anticipated to result in nonsense mediated decay, it is expected to disrupt the last 71 amino acid(s) of the MMACHC protein and extend the protein by 7 additional amino acid residues. This variant is not present in population databases (gnomAD no frequency). This frameshift has been observed in individual(s) with methylmalonic aciduria and homocystinuria (PMID: 28693988, 33691766). This variant disrupts a region of the MMACHC protein in which other variant(s) (p.Tyr222*) have been determined to be pathogenic (PMID: 16311595, 19767224, 30157807). This suggests that this is a clinically significant region of the protein, and that variants that disrupt it are likely to be disease-causing. For these reasons, this variant has been classified as Pathogenic.

Baylor Genetics
Classification: Pathogenic for Cobalamin C disease. Last evaluated: 2021-11-29. Review status: criteria provided, single submitter. Criteria: ACMG Guidelines, 2015. Collection method: clinical testing. Allele origin: unknown.

Literature cited by the submitters: PubMed 28693988 (cited by Labcorp Genetics (formerly Invitae), Labcorp); PubMed 33691766 (cited by Labcorp Genetics (formerly Invitae), Labcorp); PubMed 16311595 (cited by Labcorp Genetics (formerly Invitae), Labcorp); PubMed 19767224 (cited by Labcorp Genetics (formerly Invitae), Labcorp); PubMed 30157807 (cited by Labcorp Genetics (formerly Invitae), Labcorp).

NM_015506.3(MMACHC):c.634del (p.Gln212fs)

Genes: MMACHC (metabolism of cobalamin associated C; plus strand), LOC129930446 (ATAC-STARR-seq lymphoblastoid active region 972; plus strand). Cytogenetic location: 1p34.1.
Variant type: Deletion.
Coding change: c.634del on transcript NM_015506.3 (MANE Select); coding-DNA position 634, one base deleted (C; older notation c.634delC).
Protein change: p.Gln212fs; shifts the reading frame from glutamine 212.
Molecular consequence: frameshift variant.
Genome position (GRCh38, 1-based): chr1:45,509,000, C deleted; the last of 4 consecutive C bases (chr1:45,508,997-45,509,000); deleting any one gives the same sequence. VCF-style (leftmost placement, unchanged base first): chr1-45508996-AC-A. GRCh37 (hg19) VCF-style: chr1-45974668-AC-A.
Other names: c.463del, p.Gln155fs (NM_001330540.2); short protein forms Q155fs, Q212fs.
Identifiers: ClinVar variation 2676632 (VCV002676632.3), dbSNP rs1643683466, ClinGen allele CA2586966647.